The following is an entry in ClinVar:

NM_001103.4(ACTN2):c.1107+5G>T

Gene: ACTN2 (actinin alpha 2; plus strand). Cytogenetic location: 1q43.
Variant type: single nucleotide variant.
Coding change: c.1107+5G>T on transcript NM_001103.4 (MANE Select); 5 bases into the intron after coding-DNA position 1107, G replaced by T.
Molecular consequence: intron variant.
Genome position (GRCh38, 1-based): chr1:236,739,537, G>T. VCF-style: chr1-236739537-G-T. GRCh37 (hg19) VCF-style: chr1-236902837-G-T.
Other names: c.483+5G>T (NM_001278344.2); c.1107+5G>T (NM_001278343.2).
Identifiers: ClinVar variation 1348134 (VCV001348134.6), dbSNP rs2102922727, ClinGen allele CA2573132812.

ClinVar aggregate classification (germline): Uncertain significance (1 of 4 stars; one submission).

Conditions:
Primary familial hypertrophic cardiomyopathy (HCM). Identifiers: Orphanet 99739, MedGen C0949658, MeSH D024741, MONDO:0024573. Inheritance: Various modes of inheritance.
Dilated cardiomyopathy 1AA (CMD1AA). Also called: CARDIOMYOPATHY, DILATED, 1AA, WITH OR WITHOUT LEFT VENTRICULAR NONCOMPACTION; CARDIOMYOPATHY, FAMILIAL HYPERTROPHIC, 23, WITH OR WITHOUT LEFT VENTRICULAR NONCOMPACTION; Cardiomyopathy, dilated, 1AA, with or without LVNC. Identifiers: Orphanet 154, MedGen C2677338, MONDO:0012808, OMIM 612158.

Submission:

Labcorp Genetics (formerly Invitae), Labcorp
Classification: Uncertain significance for Primary familial hypertrophic cardiomyopathy; Dilated cardiomyopathy 1AA. Last evaluated: 2021-04-23. Review status: criteria provided, single submitter. Criteria: Invitae Variant Classification Sherloc (09022015). Collection method: clinical testing. Allele origin: germline.
Comment: This variant is not present in population databases (ExAC no frequency). This sequence change falls in intron 10 of the ACTN2 gene. It does not directly change the encoded amino acid sequence of the ACTN2 protein. It affects a nucleotide within the consensus splice site of the intron. This variant has not been reported in the literature in individuals with ACTN2-related conditions. In summary, the available evidence is currently insufficient to determine the role of this variant in disease. Therefore, it has been classified as a Variant of Uncertain Significance. Nucleotide substitutions within the consensus splice site are a relatively common cause of aberrant splicing (PMID: 17576681, 9536098). Algorithms developed to predict the effect of sequence changes on RNA splicing suggest that this variant may disrupt the consensus splice site, but this prediction has not been confirmed by published transcriptional studies.

Literature cited by the submitters: PubMed 17576681; PubMed 9536098.